The following is an entry in ClinVar:

ClinVar aggregate classification (germline): Uncertain significance (1 of 4 stars; one submission).

Submission:

Women's Health and Genetics/Laboratory Corporation of America, LabCorp
Classification: Uncertain significance. Last evaluated: 2025-01-20. Review status: criteria provided, single submitter. Criteria: LabCorp Variant Classification Summary - May 2015. Collection method: clinical testing. Allele origin: germline.
Comment: Variant summary: PLOD1 c.1756-6C>T alters a conserved nucleotide located close to a canonical splice site and therefore could affect mRNA splicing, leading to a significantly altered protein sequence. Consensus agreement among computation tools predict no significant impact on normal splicing. However, these predictions have yet to be confirmed by functional studies. The variant allele was found at a frequency of 4e-06 in 250624 control chromosomes. The available data on variant occurrences in the general population are insufficient to allow any conclusion about variant significance. To our knowledge, no occurrence of c.1756-6C>T in individuals affected with Ehlers-Danlos syndrome, kyphoscoliotic type 1 and no experimental evidence demonstrating its impact on protein function have been reported. No submitters have cited clinical-significance assessments for this variant to ClinVar. Based on the evidence outlined above, the variant was classified as uncertain significance.

NM_000302.4(PLOD1):c.1756-6C>T

Gene: PLOD1 (procollagen-lysine,2-oxoglutarate 5-dioxygenase 1; plus strand). Cytogenetic location: 1p36.22.
Variant type: single nucleotide variant.
Coding change: c.1756-6C>T on transcript NM_000302.4 (MANE Select); 6 bases into the intron before coding-DNA position 1756, C replaced by T.
Molecular consequence: intron variant.
Genome position (GRCh38, 1-based): chr1:11,970,664, C>T. VCF-style: chr1-11970664-C-T. GRCh37 (hg19) VCF-style: chr1-12030721-C-T.
Other names: c.1897-6C>T (NM_001316320.2).
Identifiers: ClinVar variation 3769524 (VCV003769524.2).